The following is an entry in ClinVar:

ClinVar aggregate classification (germline): Likely benign (0 of 4 stars; one submission).

Conditions:
NDUFA2-related disorder. Also called: NDUFA2-related condition.

Submission:

PreventionGenetics, part of Exact Sciences
Classification: Likely benign for NDUFA2-related condition. Last evaluated: 2021-10-05. Review status: no assertion criteria provided. Collection method: clinical testing. Allele origin: germline.
Comment: This variant is classified as likely benign based on ACMG/AMP sequence variant interpretation guidelines (Richards et al. 2015 PMID: 25741868, with internal and published modifications).

NM_002488.5(NDUFA2):c.267A>G (p.Arg89=)

Genes: NDUFA2 (NADH:ubiquinone oxidoreductase subunit A2; minus strand), TMCO6 (transmembrane and coiled-coil domains 6; plus strand). Cytogenetic location: 5q31.3.
Variant type: single nucleotide variant.
Coding change: c.267A>G on transcript NM_002488.5 (MANE Select); coding-DNA position 267, A replaced by G.
Protein change: p.Arg89=; no amino-acid change (arginine 89 retained).
Molecular consequence: synonymous variant. On other transcripts: 3 prime UTR variant (1), non-coding transcript variant (1).
Genome position (GRCh38, 1-based): chr5:140,645,620, T>C on the plus strand (A>G on the coding strand, the complement: NDUFA2 is on the minus strand). VCF-style: chr5-140645620-T-C. GRCh37 (hg19) VCF-style: chr5-140025205-T-C.
Other names: c.*83A>G (NM_001185012.2).
Identifiers: ClinVar variation 3056578 (VCV003056578.2), dbSNP rs2481135366, ClinGen allele CA446628301.
Genomic context (GRCh38, chr5:140,645,620, plus strand): 5'-TGTTGCTCTTAATCCTCAGTGGAGGCTTCAGGCTTTACCACTTAGAACGTTCTCCAGGGC[T>C]CTGGTTACCTGATCAGCACTGAAGTTGTTCAAAGGGACATTCGTCTCTTGGCCAAATGCT-3'
Protein context (NP_002479.1, residues 79-99): LNNFSADQVT[Arg89=]ALENVLSGKA